The following is an entry in ClinVar:

NM_000155.4(GALT):c.380A>G (p.Lys127Arg)

Gene: GALT (galactose-1-phosphate uridylyltransferase; plus strand). Cytogenetic location: 9p13.3.
Variant type: single nucleotide variant.
Coding change: c.380A>G on transcript NM_000155.4 (MANE Select); coding-DNA position 380, A replaced by G.
Protein change: p.Lys127Arg; replaces lysine 127 with arginine.
Molecular consequence: missense variant.
Genome position (GRCh38, 1-based): chr9:34,647,834, A>G. VCF-style: chr9-34647834-A-G. GRCh37 (hg19) VCF-style: chr9-34647831-A-G.
Other names: p.Lys127Arg; c.53A>G, p.Lys18Arg (NM_001258332.2); short protein forms K18R, K127R.
Identifiers: ClinVar variation 4526144 (VCV004526144.2).

ClinVar aggregate classification (germline): Uncertain significance. Review status: criteria provided, multiple submitters, no conflicts (2 of 4 stars). 2 submissions from 2 submitters: Uncertain significance (2). Last evaluated 2025-07-29.

gnomAD v4.1: 1 of 1,614,160 alleles (0.000062%); highest among the groups gnomAD compares: Non-Finnish European, 0.000085%; no homozygotes.

Submissions (2):

Women's Health and Genetics/Laboratory Corporation of America, LabCorp
Classification: Uncertain significance. Last evaluated: 2025-07-29. Review status: criteria provided, single submitter. Criteria: LabCorp Variant Classification Summary - May 2015. Collection method: clinical testing. Allele origin: germline.
Comment: Variant summary: GALT c.380A>G (p.Lys127Arg) results in a conservative amino acid change in the encoded protein sequence. Algorithms developed to predict the effect of missense changes on protein structure and function are either unavailable or do not agree on the potential impact of this missense change. Several computational tools predict a significant impact on normal splicing: Two predict the variant creates a cryptic 3' acceptor site. One predict the variant weakens a canonical 3' acceptor site. However, these predictions have yet to be confirmed by functional studies. The variant was absent in 251494 control chromosomes. The available data on variant occurrences in the general population are insufficient to allow any conclusion about variant significance. To our knowledge, no occurrence of c.380A>G in individuals affected with Galactosemia and no experimental evidence demonstrating its impact on protein function have been reported. No submitters have cited clinical-significance assessments for this variant to ClinVar. Based on the evidence outlined above, the variant was classified as uncertain significance.

Mayo Clinic Laboratories, Mayo Clinic
Classification: Uncertain significance. Last evaluated: 2025-06-20. Review status: criteria provided, single submitter. Criteria: ACMG Guidelines, 2015. Collection method: clinical testing. Allele origin: germline. Observed: 1 variant allele.
Comment: PM2_supporting, PM5

Literature cited by the submitters: PubMed 15633893 (cited by Mayo Clinic Laboratories, Mayo Clinic); PubMed 15841485 (cited by Mayo Clinic Laboratories, Mayo Clinic); PubMed 22870861 (cited by Mayo Clinic Laboratories, Mayo Clinic); PubMed 30718057 (cited by Mayo Clinic Laboratories, Mayo Clinic); PubMed 31954591 (cited by Mayo Clinic Laboratories, Mayo Clinic); PubMed 40513497 (cited by Mayo Clinic Laboratories, Mayo Clinic).